The following is an entry in ClinVar:

NM_001958.5(EEF1A2):c.676G>A (p.Val226Met)

Gene: EEF1A2 (eukaryotic translation elongation factor 1 alpha 2; minus strand). Cytogenetic location: 20q13.33.
Variant type: single nucleotide variant.
Coding change: c.676G>A on transcript NM_001958.5 (MANE Select); coding-DNA position 676, G replaced by A.
Protein change: p.Val226Met; replaces valine 226 with methionine.
Molecular consequence: missense variant.
Genome position (GRCh38, 1-based): chr20:63,493,233, C>T on the plus strand (G>A on the coding strand, the complement: EEF1A2 is on the minus strand). VCF-style: chr20-63493233-C-T. GRCh37 (hg19) VCF-style: chr20-62124586-C-T.
Other names: c.676G>A (NM_001958.2); short protein forms V226M.
Identifiers: ClinVar variation 2789233 (VCV002789233.4), dbSNP rs1437591277, ClinGen allele CA409648787.

ClinVar aggregate classification (germline): Uncertain significance. Review status: criteria provided, multiple submitters, no conflicts (2 of 4 stars). 2 submissions from 2 submitters: Uncertain significance (2). Last evaluated 2024-08-12.

Conditions:
Developmental and epileptic encephalopathy, 33 (DEE33). Also called: Epileptic encephalopathy, early infantile, 33. Identifiers: Orphanet 442835, MedGen C4225337, MONDO:0014625, OMIM 616409.
Inborn genetic diseases. Identifiers: MedGen C0950123, MeSH D030342.

Allele frequency attached by ClinVar (database versions not stated): TOPMed below 0.00001; gnomAD 0.00001.
gnomAD v4.1: 5 of 1,546,740 alleles (0.00032%); highest among the groups gnomAD compares: African/African-American, 0.0014%; no homozygotes.

Submissions (2):

Ambry Genetics
Classification: Uncertain significance for Inborn genetic diseases. Last evaluated: 2024-08-12. Review status: criteria provided, single submitter. Criteria: Ambry Variant Classification Scheme 2023. Collection method: clinical testing. Allele origin: germline.

Labcorp Genetics (formerly Invitae), Labcorp
Classification: Uncertain significance for Developmental and epileptic encephalopathy, 33. Last evaluated: 2023-10-04. Review status: criteria provided, single submitter. Criteria: Invitae Variant Classification Sherloc (09022015). Collection method: clinical testing. Allele origin: germline.
Comment: This sequence change replaces valine, which is neutral and non-polar, with methionine, which is neutral and non-polar, at codon 226 of the EEF1A2 protein (p.Val226Met). This variant is present in population databases (no rsID available, gnomAD 0.01%). This variant has not been reported in the literature in individuals affected with EEF1A2-related conditions. Advanced modeling of protein sequence and biophysical properties (such as structural, functional, and spatial information, amino acid conservation, physicochemical variation, residue mobility, and thermodynamic stability) performed at Invitae indicates that this missense variant is not expected to disrupt EEF1A2 protein function. In summary, the available evidence is currently insufficient to determine the role of this variant in disease. Therefore, it has been classified as a Variant of Uncertain Significance.